The following is an entry in ClinVar:

NM_000492.4(CFTR):c.1582G>A (p.Glu528Lys)

Genes: CFTR (CF transmembrane conductance regulator; plus strand), CFTR-AS1 (CFTR antisense RNA 1; minus strand). Cytogenetic location: 7q31.2.
Variant type: single nucleotide variant.
Coding change: c.1582G>A on transcript NM_000492.4 (MANE Select); coding-DNA position 1582, G replaced by A.
Protein change: p.Glu528Lys; replaces glutamic acid 528 with lysine.
Molecular consequence: missense variant.
Genome position (GRCh38, 1-based): chr7:117,559,653, G>A. VCF-style: chr7-117559653-G-A. GRCh37 (hg19) VCF-style: chr7-117199707-G-A.
Other names: short protein forms E528K.
Identifiers: ClinVar variation 502030 (VCV000502030.27), dbSNP rs773018372, ClinGen allele CA4451026.
Genomic context (GRCh38, chr7:117,559,653, plus strand): 5'-TTTGGTGTTTCCTATGATGAATATAGATACAGAAGCGTCATCAAAGCATGCCAACTAGAA[G>A]AGGTAAGAAACTATGTGAAAACTTTTTGATTATGCATATGAACCCTTCACACTACCCAAA-3'
Protein context (NP_000483.3, residues 518-538): RSVIKACQLE[Glu528Lys]DISKFAEKDN

ClinVar aggregate classification (germline): Uncertain significance. Review status: criteria provided, multiple submitters, no conflicts (2 of 4 stars). 9 submissions from 9 submitters: Uncertain significance (8). 1 of the submissions does not count toward it. Last evaluated 2026-02-02.

Conditions:
Hereditary pancreatitis (PCTT). Also called: PRSS1-Related Hereditary Pancreatitis; Hereditary chronic pancreatitis. Identifiers: Orphanet 676, MedGen C0238339, MONDO:0008185, OMIM 167800.
Cystic fibrosis (CF). Also called: MUCOVISCIDOSIS. Identifiers: Orphanet 586, MedGen C0010674, MONDO:0009061, OMIM 219700. Disease mechanism: loss of function.
Bronchiectasis with or without elevated sweat chloride 1 (BESC1). Also called: Cystic Fibrosis-Like Syndrome. Identifiers: Orphanet 60033, MedGen C2749757, MONDO:0008887, OMIM 211400.
Congenital bilateral aplasia of vas deferens from CFTR mutation (CBAVD). Identifiers: Orphanet 48, MedGen C0403814, MONDO:0010178, OMIM 277180. Disease mechanism: loss of function.
CFTR-related disorder (CFTR-RD). Also called: CFTR-related condition; CFTR-related disorders. Identifiers: MedGen C5924204, MONDO:7770004.

Allele frequency attached by ClinVar (database versions not stated): gnomAD exomes 0.00002; ExAC 0.00003; gnomAD 0.00003; TOPMed 0.00003.
gnomAD v4.1: 29 of 1,610,974 alleles (0.0018%); highest among the groups gnomAD compares: Middle Eastern, 0.033%; no homozygotes.

Submissions (9):

PreventionGenetics, part of Exact Sciences
Classification: Uncertain significance for CFTR-related condition. Last evaluated: 2026-02-02. Review status: criteria provided, single submitter. Criteria: ACMG Guidelines, 2015. Collection method: clinical testing. Allele origin: germline.
Comment: The CFTR c.1582G>A variant is predicted to result in the amino acid substitution p.Glu528Lys. To our knowledge, this variant has not been reported in the literature in individuals with CFTR-related disorders. This variant is reported in 0.0065% of alleles in individuals of South Asian descent in gnomAD. At this time, the clinical significance of this variant is uncertain due to the absence of conclusive functional and genetic evidence.

Labcorp Genetics (formerly Invitae), Labcorp
Classification: Uncertain significance for Cystic fibrosis. Last evaluated: 2024-06-08. Review status: criteria provided, single submitter. Criteria: Invitae Variant Classification Sherloc (09022015). Collection method: clinical testing. Allele origin: germline.
Comment: This sequence change replaces glutamic acid, which is acidic and polar, with lysine, which is basic and polar, at codon 528 of the CFTR protein (p.Glu528Lys). This variant is present in population databases (rs773018372, gnomAD 0.006%). This variant has not been reported in the literature in individuals affected with CFTR-related conditions. ClinVar contains an entry for this variant (Variation ID: 502030). An algorithm developed to predict the effect of missense changes on protein structure and function (PolyPhen-2) suggests that this variant¬†is likely to be tolerated. In summary, the available evidence is currently insufficient to determine the role of this variant in disease. Therefore, it has been classified as a Variant of Uncertain Significance.

Ambry Genetics
Classification: Uncertain significance for Cystic fibrosis. Last evaluated: 2023-08-24. Review status: criteria provided, single submitter. Criteria: Ambry Variant Classification Scheme 2023. Collection method: clinical testing. Allele origin: germline.
Comment: The p.E528K variant (also known as c.1582G>A), located in coding exon 11 of the CFTR gene, results from a G to A substitution at nucleotide position 1582. The glutamic acid at codon 528 is replaced by lysine, an amino acid with similar properties. This amino acid position is highly conserved in available vertebrate species. In addition, this alteration is predicted to be deleterious by in silico analysis. Since supporting evidence is limited at this time, the clinical significance of this variant remains unclear.

GeneDx
Classification: Uncertain significance. Last evaluated: 2023-08-21. Review status: criteria provided, single submitter. Criteria: GeneDx Variant Classification Process June 2021. Collection method: clinical testing. Allele origin: germline. Affected: yes.
Comment: Observed in individuals with infertility and infants with positive newborn screens, but additional clinical information was not available (Chamayou et al., 2020; Bozdogan et al., 2021); In silico analysis supports that this missense variant does not alter protein structure/function; This variant is associated with the following publications: (PMID: 33572515, 32357917, DePaolis_2023_article)

Genome-Nilou Lab
Classification: Uncertain significance for Cystic fibrosis. Last evaluated: 2021-09-05. Review status: criteria provided, single submitter. Criteria: ACMG Guidelines, 2015. Collection method: clinical testing. Allele origin: germline. Affected: no.

Fulgent Genetics
Classification: Uncertain significance for Hereditary pancreatitis; Bronchiectasis with or without elevated sweat chloride 1; Cystic fibrosis; Congenital bilateral aplasia of vas deferens from CFTR mutation. Last evaluated: 2021-07-26. Review status: criteria provided, single submitter. Criteria: ACMG Guidelines, 2015. Collection method: clinical testing. Allele origin: unknown.

Eurofins Ntd Llc (ga)
Classification: Uncertain significance. Last evaluated: 2018-05-21. Review status: criteria provided, single submitter. Criteria: EGL ClinVar v180209 classification definitions. Collection method: clinical testing. Allele origin: germline. Observed: 2 variant alleles, 2 heterozygotes.

ARUP Laboratories, Molecular Genetics and Genomics, ARUP Laboratories
Classification: Uncertain significance. Last evaluated: 2017-10-23. Review status: criteria provided, single submitter. Criteria: ARUP Molecular Germline Variant Investigation Process. Collection method: clinical testing. Allele origin: germline.
Comment: The CFTR c.1582G>A; p.Glu528Lys variant is not published in the medical literature or in the ClinVar database. The variant is listed in a gene-specific database in one individual identified by newborn screen (see link below). The variant is listed in the dbSNP variant database (rs773018372) and in the Genome Aggregation Database with an allele frequency of 0.002 (5/245500 alleles). The glutamic acid at this position is moderately conserved across species and computational algorithms (AlignGVGD, PolyPhen2, SIFT) predict this variant is tolerated. Considering available information, the clinical significance of this variant cannot be determined with certainty. References: Link to CFTR E528K in database

Natera, Inc.
Classification: Uncertain significance for CFTR-related disorders. Last evaluated: 2018-08-06. Review status: no assertion criteria provided. Collection method: clinical testing. Allele origin: germline. Not counted in ClinVar's aggregate classification.